The following is an entry in ClinVar:

ClinVar aggregate classification (germline): Likely benign. Review status: criteria provided, multiple submitters, no conflicts (2 of 4 stars). 2 submissions from 2 submitters: Likely benign (2). Last evaluated 2024-10-18.

Conditions:
Tuberous sclerosis 2 (TSC2). Identifiers: Orphanet 805, MedGen C1860707, MONDO:0013199, OMIM 613254.

Allele frequency attached by ClinVar (database versions not stated): TOPMed below 0.00001.

Submissions (2):

Labcorp Genetics (formerly Invitae), Labcorp
Classification: Likely benign for Tuberous sclerosis 2. Last evaluated: 2024-10-18. Review status: criteria provided, single submitter. Criteria: Invitae Variant Classification Sherloc (09022015). Collection method: clinical testing. Allele origin: germline.

GeneDx
Classification: Likely benign. Last evaluated: 2017-06-14. Review status: criteria provided, single submitter. Criteria: GeneDx Variant Classification (06012015). Collection method: clinical testing. Allele origin: germline. Affected: yes.
Comment: This variant is considered likely benign or benign based on one or more of the following criteria: it is a conservative change, it occurs at a poorly conserved position in the protein, it is predicted to be benign by multiple in silico algorithms, and/or has population frequency not consistent with disease.

NM_000548.5(TSC2):c.2577C>T (p.Asn859=)

Gene: TSC2 (TSC complex subunit 2; plus strand). Cytogenetic location: 16p13.3.
Variant type: single nucleotide variant.
Coding change: c.2577C>T on transcript NM_000548.5 (MANE Select); coding-DNA position 2577, C replaced by T.
Protein change: p.Asn859=; no amino-acid change (asparagine 859 retained).
Molecular consequence: synonymous variant.
Genome position (GRCh38, 1-based): chr16:2,075,830, C>T. VCF-style: chr16-2075830-C-T. GRCh37 (hg19) VCF-style: chr16-2125831-C-T.
Other names: c.2577C>T, p.Asn859= (NM_001077183.3, NM_001114382.3, NM_001363528.2 and 3 more transcripts); c.2466C>T, p.Asn822= (NM_001318827.2); c.2430C>T, p.Asn810= (NM_001318829.2); c.1977C>T, p.Asn659= (NM_001318831.2); c.2610C>T, p.Asn870= (NM_001318832.2).
Identifiers: ClinVar variation 517978 (VCV000517978.5), dbSNP rs1555508337, ClinGen allele CA492953470.